The following is an entry in ClinVar:

NM_199242.3(UNC13D):c.684-19G>A

Gene: UNC13D (unc-13 homolog D; minus strand). Cytogenetic location: 17q25.1.
Variant type: single nucleotide variant.
Coding change: c.684-19G>A on transcript NM_199242.3 (MANE Select); 19 bases into the intron before coding-DNA position 684, G replaced by A.
Molecular consequence: intron variant.
Genome position (GRCh38, 1-based): chr17:75,840,595, C>T on the plus strand (G>A on the coding strand, the complement: UNC13D is on the minus strand). VCF-style: chr17-75840595-C-T. GRCh37 (hg19) VCF-style: chr17-73836676-C-T.
Identifiers: ClinVar variation 1505472 (VCV001505472.8), dbSNP rs1472770205, ClinGen allele CA627596843.

ClinVar aggregate classification (germline): Uncertain significance (1 of 4 stars; one submission).

Conditions:
Familial hemophagocytic lymphohistiocytosis 3 (FHL3). Also called: UNC13D-Related Familial Hemophagocytic Lymphohistiocytosis (UNC13D-fHLH). Identifiers: Orphanet 540, MedGen C1837174, MONDO:0012146, OMIM 608898.

Allele frequency attached by ClinVar (database versions not stated): gnomAD exomes below 0.00001; TOPMed 0.00001.
gnomAD v4.1: 2 of 1,613,982 alleles (0.00012%); highest among the groups gnomAD compares: Non-Finnish European, 0.00017%; no homozygotes.

Submission:

Labcorp Genetics (formerly Invitae), Labcorp
Classification: Uncertain significance for Familial hemophagocytic lymphohistiocytosis 3. Last evaluated: 2022-08-16. Review status: criteria provided, single submitter. Criteria: Invitae Variant Classification Sherloc (09022015). Collection method: clinical testing. Allele origin: germline.
Comment: In summary, the available evidence is currently insufficient to determine the role of this variant in disease. Therefore, it has been classified as a Variant of Uncertain Significance. Algorithms developed to predict the effect of sequence changes on RNA splicing suggest that this variant may disrupt the consensus splice site. ClinVar contains an entry for this variant (Variation ID: 1505472). This variant has not been reported in the literature in individuals affected with UNC13D-related conditions. This variant is present in population databases (no rsID available, gnomAD 0.007%). This sequence change falls in intron 8 of the UNC13D gene. It does not directly change the encoded amino acid sequence of the UNC13D protein.